The following is an entry in ClinVar:

ClinVar aggregate classification (germline): Uncertain significance (1 of 4 stars; one submission).

Conditions:
3-hydroxy-3-methylglutaryl-CoA synthase deficiency (HMGCS2D). Also called: HMG-CoA synthase-2 deficiency; HMGCS2 DEFICIENCY; MITOCHONDRIAL HMG-CoA SYNTHASE DEFICIENCY. Identifiers: Orphanet 35701, MedGen C2751532, MONDO:0011614, OMIM 605911.

Allele frequency attached by ClinVar (database versions not stated): gnomAD exomes below 0.00001 and 0.00001; ExAC 0.00002; TOPMed 0.00002.
gnomAD v4.1: 6 of 1,614,080 alleles (0.00037%); highest among the groups gnomAD compares: South Asian, 0.0011%; no homozygotes.

Submission:

Labcorp Genetics (formerly Invitae), Labcorp
Classification: Uncertain significance for 3-hydroxy-3-methylglutaryl-CoA synthase deficiency. Last evaluated: 2021-08-24. Review status: criteria provided, single submitter. Criteria: Invitae Variant Classification Sherloc (09022015). Collection method: clinical testing. Allele origin: germline.
Comment: This sequence change replaces serine with leucine at codon 248 of the HMGCS2 protein (p.Ser248Leu). The serine residue is highly conserved and there is a large physicochemical difference between serine and leucine. This variant is present in population databases (rs768912442, ExAC 0.006%). This variant has not been reported in the literature in individuals affected with HMGCS2-related conditions. Algorithms developed to predict the effect of missense changes on protein structure and function (SIFT, PolyPhen-2, Align-GVGD) all suggest that this variant is likely to be disruptive. In summary, the available evidence is currently insufficient to determine the role of this variant in disease. Therefore, it has been classified as a Variant of Uncertain Significance.

NM_005518.4(HMGCS2):c.743C>T (p.Ser248Leu)

Gene: HMGCS2 (3-hydroxy-3-methylglutaryl-CoA synthase 2; minus strand). Cytogenetic location: 1p12.
Variant type: single nucleotide variant.
Coding change: c.743C>T on transcript NM_005518.4 (MANE Select); coding-DNA position 743, C replaced by T.
Protein change: p.Ser248Leu; replaces serine 248 with leucine.
Molecular consequence: missense variant.
Genome position (GRCh38, 1-based): chr1:119,759,225, G>A on the plus strand (C>T on the coding strand, the complement: HMGCS2 is on the minus strand). VCF-style: chr1-119759225-G-A. GRCh37 (hg19) VCF-style: chr1-120301848-G-A.
Other names: c.617C>T, p.Ser206Leu (NM_001166107.1); short protein forms S206L, S248L.
Identifiers: ClinVar variation 662238 (VCV000662238.6), dbSNP rs768912442, ClinGen allele CA1037801.
Genomic context (GRCh38, chr1:119,759,225, plus strand): 5'-CGATCCAAGGCCCGCAAGTAGCACTGGATGGAAAGCTTCCCATCCACTATTGGGTACTCC[G>A]AGGCCAAATTTGGTTTGTAGAAGTCATACACATTCTCCATATGGGTTCCCCTCAGCCCTG-3'
Protein context (NP_005509.1, residues 238-258): VYDFYKPNLA[Ser248Leu]EYPIVDGKLS